The following is an entry in ClinVar:

NM_001128840.3(CACNA1D):c.3314C>G (p.Ala1105Gly)

Gene: CACNA1D (calcium voltage-gated channel subunit alpha1 D; plus strand). Cytogenetic location: 3p21.1.
Variant type: single nucleotide variant.
Coding change: c.3314C>G on transcript NM_001128840.3 (MANE Select); coding-DNA position 3314, C replaced by G.
Protein change: p.Ala1105Gly; replaces alanine 1105 with glycine.
Molecular consequence: missense variant.
Genome position (GRCh38, 1-based): chr3:53,747,448, C>G. VCF-style: chr3-53747448-C-G. GRCh37 (hg19) VCF-style: chr3-53781475-C-G.
Other names: c.3374C>G, p.Ala1125Gly (NM_000720.4); c.3314C>G, p.Ala1105Gly (NM_001128839.3); short protein forms A1125G, A1105G.
Identifiers: ClinVar variation 4693022 (VCV004693022.1).
Genomic context (GRCh38, chr3:53,747,448, plus strand): 5'-ACAACGTCCTCTCTGCTATGATGGCGCTCTTCACAGTCTCCACGTTTGAGGGCTGGCCTG[C>G]GTAAGTACAGGGAGCACACAGTCTTCTGGAGAGGCACCTGCGTGCCCAGGGCTGAGCCCT-3'
Protein context (NP_001122312.1, residues 1095-1115): FTVSTFEGWP[Ala1105Gly]LLYKAIDSNG

ClinVar aggregate classification (germline): Uncertain significance (1 of 4 stars; one submission).

gnomAD v4.1: 10 of 1,614,128 alleles (0.00062%); highest among the groups gnomAD compares: South Asian, 0.011%; no homozygotes.

Submission:

Labcorp Genetics (formerly Invitae), Labcorp
Classification: Uncertain significance. Last evaluated: 2025-05-13. Review status: criteria provided, single submitter. Criteria: Invitae Variant Classification Sherloc (09022015). Collection method: clinical testing. Allele origin: germline.
Comment: This sequence change replaces alanine, which is neutral and non-polar, with glycine, which is neutral and non-polar, at codon 1125 of the CACNA1D protein (p.Ala1125Gly). This variant is present in population databases (rs775480398, gnomAD 0.006%). This variant has not been reported in the literature in individuals affected with CACNA1D-related conditions. An algorithm developed to predict the effect of missense changes on protein structure and function (PolyPhen-2) suggests that this variant is likely to be tolerated. In summary, the available evidence is currently insufficient to determine the role of this variant in disease. Therefore, it has been classified as a Variant of Uncertain Significance.